The following is an entry in ClinVar:

ClinVar aggregate classification (germline): Benign. Review status: criteria provided, multiple submitters, no conflicts (2 of 4 stars). 4 submissions from 4 submitters: Benign (3). 1 of the submissions does not count toward it. Last evaluated 2022-06-19.

Conditions:
PIGS-related disorder. Also called: PIGS-related condition.

Allele frequency attached by ClinVar (database versions not stated): gnomAD exomes 0.00193 and 0.00549; TOPMed 0.02456; ESP Exome Variant Server 0.02207; ExAC 0.00722; gnomAD 0.02160 and 0.02294; 1000 Genomes Project 0.02915; 1000 Genomes Project 30x 0.03201.

Submissions (4):

Mayo Clinic Laboratories, Mayo Clinic
Classification: Benign. Last evaluated: 2022-06-19. Review status: criteria provided, single submitter. Criteria: ACMG Guidelines, 2015. Collection method: clinical testing. Allele origin: germline. Observed: 4 variant alleles.

Labcorp Genetics (formerly Invitae), Labcorp
Classification: Benign. Last evaluated: 2018-07-23. Review status: criteria provided, single submitter. Criteria: Invitae Variant Classification Sherloc (09022015). Collection method: clinical testing. Allele origin: germline.

Breakthrough Genomics
Classification: Benign. Review status: criteria provided, single submitter. Criteria: ACMG Guidelines, 2015. Collection method: not provided. Allele origin: germline. Inheritance: Autosomal recessive inheritance. Affected: yes.

PreventionGenetics, part of Exact Sciences
Classification: Benign for PIGS-related condition. Last evaluated: 2020-02-26. Review status: no assertion criteria provided. Collection method: clinical testing. Allele origin: germline. Not counted in ClinVar's aggregate classification.
Comment: This variant is classified as benign based on ACMG/AMP sequence variant interpretation guidelines (Richards et al. 2015 PMID: 25741868, with internal and published modifications).

NM_033198.4(PIGS):c.758G>A (p.Arg253His)

Gene: PIGS (phosphatidylinositol glycan anchor biosynthesis class S; minus strand). Cytogenetic location: 17q11.2.
Variant type: single nucleotide variant.
Coding change: c.758G>A on transcript NM_033198.4 (MANE Select); coding-DNA position 758, G replaced by A.
Protein change: p.Arg253His; replaces arginine 253 with histidine.
Molecular consequence: missense variant.
Genome position (GRCh38, 1-based): chr17:28,560,110, C>T on the plus strand (G>A on the coding strand, the complement: PIGS is on the minus strand). VCF-style: chr17-28560110-C-T. GRCh37 (hg19) VCF-style: chr17-26887128-C-T.
Other names: p.Arg253His; short protein forms R253H.
Identifiers: ClinVar variation 781360 (VCV000781360.7), dbSNP rs34669811, ClinGen allele CA8460197.